The following is an entry in ClinVar:

ClinVar aggregate classification (germline): Uncertain significance. Review status: criteria provided, multiple submitters, no conflicts (2 of 4 stars). 2 submissions from 2 submitters: Uncertain significance (2). Last evaluated 2022-03-04.

Conditions:
Cardiovascular phenotype. Identifiers: MedGen CN230736.

Allele frequency attached by ClinVar (database versions not stated): gnomAD exomes below 0.00001; TOPMed 0.00001.
gnomAD v4.1: 4 of 1,613,978 alleles (0.00025%); highest among the groups gnomAD compares: East Asian, 0.0022%; no homozygotes.

Submissions (2):

Ambry Genetics
Classification: Uncertain significance for Cardiovascular phenotype. Last evaluated: 2022-03-04. Review status: criteria provided, single submitter. Criteria: Ambry Variant Classification Scheme 2023. Collection method: clinical testing. Allele origin: germline.
Comment: The p.L1175P variant (also known as c.3524T>C), located in coding exon 17 of the MYPN gene, results from a T to C substitution at nucleotide position 3524. The leucine at codon 1175 is replaced by proline, an amino acid with similar properties. This amino acid position is conserved. In addition, the in silico prediction for this alteration is inconclusive. Since supporting evidence is limited at this time, the clinical significance of this alteration remains unclear.

GeneDx
Classification: Uncertain significance. Last evaluated: 2020-03-23. Review status: criteria provided, single submitter. Criteria: GeneDx Variant Classification Process June 2021. Collection method: clinical testing. Allele origin: germline. Affected: yes.
Comment: Has not been previously published as pathogenic or benign to our knowledge; Not observed in large population cohorts (Lek et al., 2016); In silico analysis, which includes protein predictors and evolutionary conservation, supports a deleterious effect

NM_032578.4(MYPN):c.3524T>C (p.Leu1175Pro)

Gene: MYPN (myopalladin; plus strand). Cytogenetic location: 10q21.3.
Variant type: single nucleotide variant.
Coding change: c.3524T>C on transcript NM_032578.4 (MANE Select); coding-DNA position 3524, T replaced by C.
Protein change: p.Leu1175Pro; replaces leucine 1175 with proline.
Molecular consequence: missense variant. On other transcripts: non-coding transcript variant (2).
Genome position (GRCh38, 1-based): chr10:68,201,859, T>C. VCF-style: chr10-68201859-T-C. GRCh37 (hg19) VCF-style: chr10-69961616-T-C.
Other names: c.3524T>C, p.Leu1175Pro (NM_001256267.2); c.2642T>C, p.Leu881Pro (NM_001256268.2); short protein forms L1175P, L881P.
Identifiers: ClinVar variation 1203486 (VCV001203486.5), dbSNP rs1473139800, ClinGen allele CA376859922.